The following is an entry in ClinVar:

ClinVar aggregate classification (germline): Uncertain significance (1 of 4 stars; one submission).

Conditions:
Growth delay due to insulin-like growth factor I resistance. Also called: IGF-I RESISTANCE; Insulin-Like Growth Factor I Resistance; Somatomedin end-organ insensitivity to; Somatomedin-c resistance to; IGF-1 resistance. Identifiers: Orphanet 73273, MedGen C1849157, MONDO:0010038, OMIM 270450.

Submission:

Centre for Mendelian Genomics, University Medical Centre Ljubljana
Classification: Uncertain significance for Growth delay due to insulin-like growth factor I resistance. Last evaluated: 2018-10-25. Review status: criteria provided, single submitter. Criteria: ACMG Guidelines, 2015. Collection method: clinical testing. Allele origin: unknown. Affected: yes.
Comment: This variant was classified as: Uncertain significance. The available evidence on this variant's pathogenicity is insufficient or conflicting. The following ACMG criteria were applied in classifying this variant: PM2.

NM_000875.5(IGF1R):c.3809del (p.Met1270fs)

Gene: IGF1R (insulin like growth factor 1 receptor; plus strand). Cytogenetic location: 15q26.3.
Variant type: Deletion.
Coding change: c.3809del on transcript NM_000875.5 (MANE Select); coding-DNA position 3809, one base deleted (T; older notation c.3809delT).
Protein change: p.Met1270fs; shifts the reading frame from methionine 1270.
Molecular consequence: frameshift variant.
Genome position (GRCh38, 1-based): chr15:98,957,147, T deleted. VCF-style (leftmost placement, unchanged base first): chr15-98957146-AT-A. GRCh37 (hg19) VCF-style: chr15-99500375-AT-A.
Other names: c.3806del, p.Met1269fs (NM_001291858.2); short protein forms M1269fs, M1270fs.
Identifiers: ClinVar variation 930680 (VCV000930680.3), dbSNP rs2017024063, ClinGen allele CA1139664191.
Genomic context (GRCh38, chr15:98,957,146, plus strand): 5'-CAGTATAACCCCAAGATGAGGCCTTCCTTCCTGGAGATCATCAGCAGCATCAAAGAGGAG[AT>A]GGAGCCTGGCTTCCGGGAGGTCTCCTTCTACTACAGCGAGGAGAACAAGCTGCCCGAGCC-3'